The following is an entry in ClinVar:

NM_020719.3(PRR12):c.4670T>A (p.Val1557Glu)

Gene: PRR12 (proline rich 12; plus strand). Cytogenetic location: 19q13.33.
Variant type: single nucleotide variant.
Coding change: c.4670T>A on transcript NM_020719.3 (MANE Select); coding-DNA position 4670, T replaced by A.
Protein change: p.Val1557Glu; replaces valine 1557 with glutamic acid.
Molecular consequence: missense variant.
Genome position (GRCh38, 1-based): chr19:49,601,815, T>A. VCF-style: chr19-49601815-T-A. GRCh37 (hg19) VCF-style: chr19-50105072-T-A.
Other names: short protein forms V1557E.
Identifiers: ClinVar variation 5017608 (VCV005017608.1).

ClinVar aggregate classification (germline): Uncertain significance (1 of 4 stars; one submission).

Submission:

GeneDx
Classification: Uncertain significance. Last evaluated: 2026-03-30. Review status: criteria provided, single submitter. Criteria: GeneDx Variant Classification Process June 2021. Collection method: clinical testing. Allele origin: germline.
Comment: Not observed at significant frequency in large population cohorts (gnomAD); In silico analysis supports that this missense variant has a deleterious effect on protein structure/function; Has not been previously published as pathogenic or benign to our knowledge